The following is an entry in ClinVar:

NM_003924.4(PHOX2B):c.587G>A (p.Gly196Glu)

Gene: PHOX2B (paired like homeobox 2B; minus strand). Cytogenetic location: 4p13.
Variant type: single nucleotide variant.
Coding change: c.587G>A on transcript NM_003924.4 (MANE Select); coding-DNA position 587, G replaced by A.
Protein change: p.Gly196Glu; replaces glycine 196 with glutamic acid.
Molecular consequence: missense variant.
Genome position (GRCh38, 1-based): chr4:41,746,165, C>T on the plus strand (G>A on the coding strand, the complement: PHOX2B is on the minus strand). VCF-style: chr4-41746165-C-T. GRCh37 (hg19) VCF-style: chr4-41748182-C-T.
Other names: short protein forms G196E.
Identifiers: ClinVar variation 2560422 (VCV002560422.2), dbSNP rs1467618547, ClinGen allele CA356737875.

ClinVar aggregate classification (germline): Uncertain significance (1 of 4 stars; one submission).

Conditions:
Hereditary cancer-predisposing syndrome. Also called: Neoplastic Syndromes, Hereditary; Hereditary Cancer Syndrome; Hereditary neoplastic syndrome; Tumor predisposition. Identifiers: Orphanet 140162, MedGen C0027672, MeSH D009386, MONDO:0015356.

Allele frequency attached by ClinVar (database versions not stated): gnomAD exomes below 0.00001.

Submission:

Ambry Genetics
Classification: Uncertain significance for Hereditary cancer-predisposing syndrome. Last evaluated: 2023-03-24. Review status: criteria provided, single submitter. Criteria: Ambry Variant Classification Scheme 2023. Collection method: clinical testing. Allele origin: germline.
Comment: The p.G196E variant (also known as c.587G>A), located in coding exon 3 of the PHOX2B gene, results from a G to A substitution at nucleotide position 587. The glycine at codon 196 is replaced by glutamic acid, an amino acid with similar properties. This amino acid position is highly conserved in available vertebrate species. In addition, the in silico prediction for this alteration is inconclusive. Since supporting evidence is limited at this time, the clinical significance of this alteration remains unclear.